The following is an entry in ClinVar:

NM_032444.4(SLX4):c.4295C>T (p.Pro1432Leu)

Gene: SLX4 (SLX4 structure-specific endonuclease subunit; minus strand). Cytogenetic location: 16p13.3.
Variant type: single nucleotide variant.
Coding change: c.4295C>T on transcript NM_032444.4 (MANE Select); coding-DNA position 4295, C replaced by T.
Protein change: p.Pro1432Leu; replaces proline 1432 with leucine.
Molecular consequence: missense variant.
Genome position (GRCh38, 1-based): chr16:3,589,343, G>A on the plus strand (C>T on the coding strand, the complement: SLX4 is on the minus strand). VCF-style: chr16-3589343-G-A. GRCh37 (hg19) VCF-style: chr16-3639344-G-A.
Other names: short protein forms P1432L.
Identifiers: ClinVar variation 2199074 (VCV002199074.4), dbSNP rs1214854591, ClinGen allele CA394517426.

ClinVar aggregate classification (germline): Uncertain significance (1 of 4 stars; one submission).

Conditions:
Fanconi anemia (FA). Also called: Fanconi's anemia. Identifiers: Orphanet 84, MedGen C0015625, MeSH D005199, MONDO:0019391.

Allele frequency attached by ClinVar (database versions not stated): TOPMed below 0.00001.
gnomAD v4.1: 5 of 1,579,254 alleles (0.00032%); highest among the groups gnomAD compares: Admixed American, 0.0052%; no homozygotes.

Submission:

Labcorp Genetics (formerly Invitae), Labcorp
Classification: Uncertain significance for Fanconi anemia. Last evaluated: 2022-07-08. Review status: criteria provided, single submitter. Criteria: Invitae Variant Classification Sherloc (09022015). Collection method: clinical testing. Allele origin: germline.
Comment: This sequence change replaces proline, which is neutral and non-polar, with leucine, which is neutral and non-polar, at codon 1432 of the SLX4 protein (p.Pro1432Leu). This variant is present in population databases (no rsID available, gnomAD 0.006%). This variant has not been reported in the literature in individuals affected with SLX4-related conditions. Algorithms developed to predict the effect of missense changes on protein structure and function are either unavailable or do not agree on the potential impact of this missense change (SIFT: "Tolerated"; PolyPhen-2: "Probably Damaging"; Align-GVGD: "Class C0"). In summary, the available evidence is currently insufficient to determine the role of this variant in disease. Therefore, it has been classified as a Variant of Uncertain Significance.